The following is an entry in ClinVar:

ClinVar aggregate classification (germline): Uncertain significance (1 of 4 stars; one submission).

Conditions:
Polycystic kidney disease, adult type (PKD1). Also called: Polycystic Kidney, Autosomal Dominant; POLYCYSTIC KIDNEY DISEASE 1 WITH OR WITHOUT POLYCYSTIC LIVER DISEASE; Polycystic Kidney Disease 1, Autosomal Dominant; Polycystic kidney disease 1; Polycystic kidney disease 1, severe; POLYCYSTIC KIDNEY DISEASE, ADULT, TYPE I. Identifiers: MedGen C3149841, MONDO:0008263, OMIM 173900.

Submission:

MVZ Medizinische Genetik Mainz
Classification: Uncertain significance for Polycystic kidney disease, adult type. Last evaluated: 2022-11-10. Review status: criteria provided, single submitter. Criteria: UK Practice Guidelines For Variant Classification V4 01 2020. Collection method: clinical testing. Allele origin: germline. Inheritance: Autosomal dominant inheritance. Affected: yes. Observed: 1 variant allele.
Comment: ACMG Criteria: PM2_SUP, PP3, PP4 (ACMG Version 4)

NM_001009944.3(PKD1):c.3162-3C>G

Gene: PKD1 (polycystin 1, transient receptor potential channel interacting; minus strand). Cytogenetic location: 16p13.3.
Variant type: single nucleotide variant.
Coding change: c.3162-3C>G on transcript NM_001009944.3 (MANE Select); 3 bases into the intron before coding-DNA position 3162, C replaced by G.
Molecular consequence: intron variant.
Genome position (GRCh38, 1-based): chr16:2,112,476, G>C on the plus strand (C>G on the coding strand, the complement: PKD1 is on the minus strand). VCF-style: chr16-2112476-G-C. GRCh37 (hg19) VCF-style: chr16-2162477-G-C.
Other names: c.3162-3C>G (NM_000296.4).
Identifiers: ClinVar variation 3066139 (VCV003066139.1), dbSNP rs2544837768, ClinGen allele CA492972792.
Genomic context (GRCh38, chr16:2,112,476, plus strand): 5'-CTCGTTGTACGGAGGCTGGAACTGGTGGAGGGCCTGCTCCCCATCCCCAAAGGTCCACCT[G>C]CCGGGGCGGTGGGACGCAGTGAGTGAACCGGGACAGGGGTGGGCGGTGGCGGGGCAGGGG-3'